The following is an entry in ClinVar:

ClinVar aggregate classification (germline): Uncertain significance (1 of 4 stars; one submission).

gnomAD v4.1: 23 of 1,580,318 alleles (0.0015%); highest among the groups gnomAD compares: East Asian, 0.0069%; no homozygotes.

Submission:

Mayo Clinic Laboratories, Mayo Clinic
Classification: Uncertain significance. Last evaluated: 2024-05-01. Review status: criteria provided, single submitter. Criteria: ACMG Guidelines, 2015. Collection method: clinical testing. Allele origin: germline. Observed: 1 variant allele.
Comment: BP4

Literature cited by the submitters: PubMed 37197644.

NM_001080421.3(UNC13A):c.1292C>T (p.Pro431Leu)

Gene: UNC13A (unc-13 homolog A; minus strand). Cytogenetic location: 19p13.11.
Variant type: single nucleotide variant.
Coding change: c.1292C>T on transcript NM_001080421.3 (MANE Select); coding-DNA position 1292, C replaced by T.
Protein change: p.Pro431Leu; replaces proline 431 with leucine.
Molecular consequence: missense variant.
Genome position (GRCh38, 1-based): chr19:17,655,374, G>A on the plus strand (C>T on the coding strand, the complement: UNC13A is on the minus strand). VCF-style: chr19-17655374-G-A. GRCh37 (hg19) VCF-style: chr19-17766183-G-A.
Other names: p.Pro431Leu; c.1292C>T, p.Pro431Leu (NM_001387021.1, NM_001387022.1, NM_001387023.1); short protein forms P431L.
Identifiers: ClinVar variation 3380602 (VCV003380602.1).
Genomic context (GRCh38, chr19:17,655,374, plus strand): 5'-CAGTTGGCCTTGGCCCTGGACATGGAGTCCTGCCCCTCCTGGCCTTCCTCATCCTCTCTC[G>A]GCCTGAAACTGAGGCAGGGAACGCTATGAGGCTCTGGGCTGGCTCTCCGTGACCCCTGAA-3'
Protein context (NP_001073890.2, residues 421-441): EPPKDEESFR[Pro431Leu]REDEEGQEGQ